The following is an entry in ClinVar:

ClinVar aggregate classification (germline): Likely pathogenic (1 of 4 stars; one submission).

Conditions:
Myopathy, proximal, and ophthalmoplegia (CMYO6). Also called: CONGENITAL MYOPATHY 6 WITH OPHTHALMOPLEGIA; MYOPATHY WITH CONGENITAL JOINT CONTRACTURES, OPHTHALMOPLEGIA, AND RIMMED VACUOLES; INCLUSION BODY MYOPATHY 3, AUTOSOMAL DOMINANT. Identifiers: Orphanet 363677, Orphanet 79091, MedGen C1854106, MONDO:0011577, OMIM 605637.

Submission:

Juno Genomics, Hangzhou Juno Genomics, Inc
Classification: Likely pathogenic for Myopathy, proximal, and ophthalmoplegia. Review status: criteria provided, single submitter. Criteria: ACMG Guidelines, 2015. Collection method: clinical testing. Allele origin: germline.
Comment: Null variant in a gene where loss of function (LOF) is a known mechanism of disease.;Absent from controls (or at extremely low frequency if recessive) in Genome Aggregation Database.

NM_017534.6(MYH2):c.1266+1G>T

Genes: MYH2 (myosin heavy chain 2; minus strand), MYHAS (myosin heavy chain gene cluster antisense RNA; plus strand). Cytogenetic location: 17p13.1.
Variant type: single nucleotide variant.
Coding change: c.1266+1G>T on transcript NM_017534.6 (MANE Select); the canonical splice donor site of the intron after coding-DNA position 1266, G replaced by T.
Molecular consequence: splice donor variant.
Genome position (GRCh38, 1-based): chr17:10,539,443, C>A on the plus strand (G>T on the coding strand, the complement: MYH2 is on the minus strand). VCF-style: chr17-10539443-C-A. GRCh37 (hg19) VCF-style: chr17-10442760-C-A.
Other names: c.1266+1G>T (NM_001100112.2).
Identifiers: ClinVar variation 5005677 (VCV005005677.2).